The following is an entry in ClinVar:

Conditions:
Arteriohepatic dysplasia. Also called: Alagille Syndrome. Identifiers: Orphanet 52, MedGen C0085280, MeSH D016738, MONDO:0007318.

Submission:

Gilbert/Spinner Lab, Children's Hospital of Philadelphia
No classification provided (evidence only). Condition: Alagille syndrome. Review status: no classification provided. Collection method: research. Allele origin: not applicable. Functional consequence: functionally_abnormal.
ClinVar note: "not provided" was previously submitted as the classification for the variant. However, the classification appeared to be based only on an observation of functional data so it was converted to no classification on 2025-07-30.

NM_000214.3(JAG1):c.114G>C (p.Glu38Asp)

Gene: JAG1 (jagged canonical Notch ligand 1; minus strand). Cytogenetic location: 20p12.2.
Variant type: single nucleotide variant.
Coding change: c.114G>C on transcript NM_000214.3 (MANE Select); coding-DNA position 114, G replaced by C.
Protein change: p.Glu38Asp; replaces glutamic acid 38 with aspartic acid.
Molecular consequence: missense variant.
Genome position (GRCh38, 1-based): chr20:10,672,974, C>G on the plus strand (G>C on the coding strand, the complement: JAG1 is on the minus strand). VCF-style: chr20-10672974-C-G. GRCh37 (hg19) VCF-style: chr20-10653622-C-G.
Other names: short protein forms E38D.
Identifiers: ClinVar variation 3573365 (VCV003573365.2).
Genomic context (GRCh38, chr20:10,672,974, plus strand): 5'-GGCGCCGCCGCAGCAGTTCCCGTTCTGCAGCTCCCCGTTCACGTTCTGCATGGACAGGAT[C>G]TCCAACTCGAACTGACCCGAGGCCCCACACACCTGCCGGCGAGGGAAGGAGGTAGGTCAG-3'
Protein context (NP_000205.1, residues 28-48): VCGASGQFEL[Glu38Asp]ILSMQNVNGE